The following is an entry in ClinVar:

ClinVar aggregate classification (germline): Uncertain significance (1 of 4 stars; one submission).

Conditions:
Glycogen storage disease, type II (IOPD). Also called: Glucosidase acid-1,4-alpha deficiency; Pompe Disease; POMPE DISEASE, INFANTILE-ONSET; GLYCOGEN STORAGE DISEASE II, INFANTILE-ONSET; ACID ALPHA-GLUCOSIDASE DEFICIENCY, INFANTILE-ONSET; GAA DEFICIENCY, INFANTILE-ONSET. Identifiers: Orphanet 365, MedGen C0017921, MONDO:0009290, OMIM 232300.

Allele frequency attached by ClinVar (database versions not stated): TOPMed below 0.00001; gnomAD 0.00001.
gnomAD v4.1: 1 of 1,611,628 alleles (0.000062%); highest among the groups gnomAD compares: African/African-American, 0.0013%; no homozygotes.

Submission:

Labcorp Genetics (formerly Invitae), Labcorp
Classification: Uncertain significance for Glycogen storage disease, type II. Last evaluated: 2022-07-12. Review status: criteria provided, single submitter. Criteria: Invitae Variant Classification Sherloc (09022015). Collection method: clinical testing. Allele origin: germline.
Comment: In summary, the available evidence is currently insufficient to determine the role of this variant in disease. Therefore, it has been classified as a Variant of Uncertain Significance. Advanced modeling of protein sequence and biophysical properties (such as structural, functional, and spatial information, amino acid conservation, physicochemical variation, residue mobility, and thermodynamic stability) performed at Invitae indicates that this missense variant is not expected to disrupt GAA protein function. ClinVar contains an entry for this variant (Variation ID: 1361066). This variant has not been reported in the literature in individuals affected with GAA-related conditions. This variant is not present in population databases (gnomAD no frequency). This sequence change replaces glutamic acid, which is acidic and polar, with lysine, which is basic and polar, at codon 51 of the GAA protein (p.Glu51Lys).

NM_000152.5(GAA):c.151G>A (p.Glu51Lys)

Gene: GAA (alpha glucosidase; plus strand). Cytogenetic location: 17q25.3.
Variant type: single nucleotide variant.
Coding change: c.151G>A on transcript NM_000152.5 (MANE Select); coding-DNA position 151, G replaced by A.
Protein change: p.Glu51Lys; replaces glutamic acid 51 with lysine.
Molecular consequence: missense variant.
Genome position (GRCh38, 1-based): chr17:80,104,737, G>A. VCF-style: chr17-80104737-G-A. GRCh37 (hg19) VCF-style: chr17-78078536-G-A.
Other names: c.151G>A, p.Glu51Lys (NM_001079803.3, NM_001079804.3); short protein forms E51K.
Identifiers: ClinVar variation 1361066 (VCV001361066.8), dbSNP rs2039030436, ClinGen allele CA401360347.
Genomic context (GRCh38, chr17:80,104,737, plus strand): 5'-CTACTCCATGATTTCCTGCTGGTTCCCCGAGAGCTGAGTGGCTCCTCCCCAGTCCTGGAG[G>A]AGACTCACCCAGCTCACCAGCAGGGAGCCAGCAGACCAGGGCCCCGGGATGCCCAGGCAC-3'
Protein context (NP_000143.2, residues 41-61): ELSGSSPVLE[Glu51Lys]THPAHQQGAS